The following is an entry in ClinVar:

ClinVar aggregate classification (germline): Uncertain significance. Review status: criteria provided, multiple submitters, no conflicts (2 of 4 stars). 3 submissions from 3 submitters: Uncertain significance (3). Last evaluated 2021-10-22.

Conditions:
Xeroderma pigmentosum (XP). Identifiers: Orphanet 910, MedGen C0043346, MONDO:0019600.
Trichothiodystrophy 1, photosensitive (TTD1). Also called: TAY SYNDROME; TRICHOTHIODYSTROPHY WITH CONGENITAL ICHTHYOSIS; PIBIDS SYNDROME. Identifiers: Orphanet 33364, MedGen C1866504, MONDO:0011125, OMIM 601675.

Allele frequency attached by ClinVar (database versions not stated): gnomAD exomes below 0.00001.

Submissions (3):

Sema4
Classification: Uncertain significance for Xeroderma pigmentosum. Last evaluated: 2021-10-22. Review status: criteria provided, single submitter. Criteria: Sema4 Curation Guidelines. Collection method: curation. Allele origin: germline.
Comment: The ERCC2 c.1832-3C>G variant has not been reported in the literature to our knowledge. It was not observed in the large and broad cohorts of the Genome Aggregation Database (PMID: 32461654). The variant has been reported in ClinVar (Variation ID 997550). In silico tools suggest that the variant may have an impact on splicing, though these predictions have not been confirmed by functional studies. The evidence is insufficient to meet ACMG/AMP criteria for classifying the variant as benign or pathogenic. Thus, the clinical significance of this variant is currently uncertain.

Labcorp Genetics (formerly Invitae), Labcorp
Classification: Uncertain significance. Last evaluated: 2021-05-10. Review status: criteria provided, single submitter. Criteria: Invitae Variant Classification Sherloc (09022015). Collection method: clinical testing. Allele origin: germline.
Comment: This sequence change falls in intron 19 of the ERCC2 gene. It does not directly change the encoded amino acid sequence of the ERCC2 protein. It affects a nucleotide within the consensus splice site of the intron. This variant is not present in population databases (ExAC no frequency). This variant has not been reported in the literature in individuals with ERCC2-related conditions. Nucleotide substitutions within the consensus splice site are a relatively common cause of aberrant splicing (PMID: 17576681, 9536098). Algorithms developed to predict the effect of sequence changes on RNA splicing suggest that this variant may disrupt the consensus splice site, but this prediction has not been confirmed by published transcriptional studies. In summary, the available evidence is currently insufficient to determine the role of this variant in disease. Therefore, it has been classified as a Variant of Uncertain Significance.

Baylor Genetics
Classification: Uncertain significance for Trichothiodystrophy 1, photosensitive. Last evaluated: 2019-03-19. Review status: criteria provided, single submitter. Criteria: ACMG Guidelines, 2015. Collection method: clinical testing. Allele origin: unknown. Affected: yes. Study: CSER-TexasKidsCanSeq.
Comment: This variant was determined to be of uncertain significance according to ACMG Guidelines, 2015 [PMID:25741868].

Literature cited by the submitters: PubMed 17576681 (cited by Labcorp Genetics (formerly Invitae), Labcorp); PubMed 9536098 (cited by Labcorp Genetics (formerly Invitae), Labcorp).

NM_000400.4(ERCC2):c.1832-3C>G

Gene: ERCC2 (ERCC excision repair 2, TFIIH core complex helicase subunit; minus strand). Cytogenetic location: 19q13.32.
Variant type: single nucleotide variant.
Coding change: c.1832-3C>G on transcript NM_000400.4 (MANE Select); 3 bases into the intron before coding-DNA position 1832, C replaced by G.
Molecular consequence: intron variant.
Genome position (GRCh38, 1-based): chr19:45,352,819, G>C on the plus strand (C>G on the coding strand, the complement: ERCC2 is on the minus strand). VCF-style: chr19-45352819-G-C. GRCh37 (hg19) VCF-style: chr19-45856077-G-C.
Identifiers: ClinVar variation 997550 (VCV000997550.6), dbSNP rs1971859134, ClinGen allele CA913185990.
Genomic context (GRCh38, chr19:45,352,819, plus strand): 5'-CTCTGTGTGTAGACGTAGGGGACGCCAAACATGATGACGGCCCGCCCGTAGTGGTGCACT[G>C]GTGGGCAGAGGAGAGGGGGCGAGGGGGGTTACAAGTGTGGCTGGTGGGACAGGGACAGCC-3'